The following is an entry in ClinVar:

ClinVar aggregate classification (germline): Conflicting classifications of pathogenicity. Review status: criteria provided, conflicting classifications (1 of 4 stars). 4 submissions from 4 submitters: Uncertain significance (2); Likely benign (2). Last evaluated 2024-12-01.

Conditions:
Microcephaly 5, primary, autosomal recessive (MCPH5). Also called: ASPM Primary Microcephaly. Identifiers: Orphanet 2512, MedGen C1837501, MONDO:0012106, OMIM 608716.

Allele frequency attached by ClinVar (database versions not stated): ExAC 0.00001; gnomAD exomes 0.00001; TOPMed 0.00002; gnomAD 0.00003.
gnomAD v4.1: 13 of 1,612,366 alleles (0.00081%); highest among the groups gnomAD compares: Non-Finnish European, 0.001%; no homozygotes.

Submissions (4):

CeGaT Center for Human Genetics Tuebingen
Classification: Likely benign. Last evaluated: 2024-12-01. Review status: criteria provided, single submitter. Criteria: CeGaT Center For Human Genetics Tuebingen Variant Classification Criteria Version 2. Collection method: clinical testing. Allele origin: germline. Affected: yes. Observed: 1 variant allele.
Comment: ASPM: BP4, BP7

Labcorp Genetics (formerly Invitae), Labcorp
Classification: Likely benign. Last evaluated: 2022-12-06. Review status: criteria provided, single submitter. Criteria: Invitae Variant Classification Sherloc (09022015). Collection method: clinical testing. Allele origin: germline.

Illumina Laboratory Services, Illumina
Classification: Uncertain significance for Microcephaly 5, primary, autosomal recessive. Last evaluated: 2018-01-13. Review status: criteria provided, single submitter. Criteria: ICSL Variant Classification Criteria 13 December 2019. Collection method: clinical testing. Allele origin: germline.

Genetic Services Laboratory, University of Chicago
Classification: Uncertain significance for Microcephaly 5, primary, autosomal recessive. Last evaluated: 2014-03-04. Review status: criteria provided, single submitter. Criteria: ACMG Guidelines, 2007. Collection method: clinical testing. Allele origin: germline. Inheritance: Autosomal recessive inheritance.

NM_018136.5(ASPM):c.8523A>G (p.Leu2841=)

Gene: ASPM (assembly factor for spindle microtubules; minus strand). Cytogenetic location: 1q31.3.
Variant type: single nucleotide variant.
Coding change: c.8523A>G on transcript NM_018136.5 (MANE Select); coding-DNA position 8523, A replaced by G.
Protein change: p.Leu2841=; no amino-acid change (leucine 2841 retained).
Molecular consequence: synonymous variant. On other transcripts: intron variant (1).
Genome position (GRCh38, 1-based): chr1:197,100,728, T>C on the plus strand (A>G on the coding strand, the complement: ASPM is on the minus strand). VCF-style: chr1-197100728-T-C. GRCh37 (hg19) VCF-style: chr1-197069858-T-C.
Other names: c.4066-4564A>G (NM_001206846.2).
Identifiers: ClinVar variation 157895 (VCV000157895.29), dbSNP rs587783281, ClinGen allele CA271127.
Genomic context (GRCh38, chr1:197,100,728, plus strand): 5'-TCTTTTCTGCTGAACAAATCTTCTCCGATACACAGCCATCTGAAGGAAGAACTGAATCCG[T>C]AGGGCAGCACATTTCTGTGTTTCCAGTTTTCTTGTGACCATTCTACAAAAAGCTTTTTGA-3'
Protein context (NP_060606.3, residues 2831-2851): RKLETQKCAA[Leu2841=]RIQFFLQMAV